The following is an entry in ClinVar:

ClinVar aggregate classification (germline): Uncertain significance. Review status: criteria provided, multiple submitters, no conflicts (2 of 4 stars). 2 submissions from 2 submitters: Uncertain significance (2). Last evaluated 2025-11-19.

Conditions:
Emery-Dreifuss muscular dystrophy 5, autosomal dominant (EDMD5). Also called: EMERY-DREIFUSS MUSCULAR DYSTROPHY 5. Identifiers: Orphanet 261, MedGen C2751805, MONDO:0013072, OMIM 612999.

Allele frequency attached by ClinVar (database versions not stated): TOPMed 0.00002; gnomAD 0.00004; ESP Exome Variant Server 0.00008; gnomAD exomes 0.00010; ExAC 0.00012.
gnomAD v4.1: 101 of 1,614,076 alleles (0.0063%); highest among the groups gnomAD compares: Non-Finnish European, 0.0082%; no homozygotes.

Submissions (2):

Labcorp Genetics (formerly Invitae), Labcorp
Classification: Uncertain significance for Emery-Dreifuss muscular dystrophy 5, autosomal dominant. Last evaluated: 2025-11-19. Review status: criteria provided, single submitter. Criteria: Invitae Variant Classification Sherloc (09022015). Collection method: clinical testing. Allele origin: germline.
Comment: This sequence change replaces methionine, which is neutral and non-polar, with leucine, which is neutral and non-polar, at codon 4331 of the SYNE2 protein (p.Met4331Leu). This variant is present in population databases (rs144392904, gnomAD 0.02%). This variant has not been reported in the literature in individuals affected with SYNE2-related conditions. ClinVar contains an entry for this variant (Variation ID: 947123). An algorithm developed to predict the effect of missense changes on protein structure and function outputs the following: PolyPhen-2: "Benign". The leucine amino acid residue is found in multiple mammalian species, which suggests that this missense change does not adversely affect protein function. In summary, the available evidence is currently insufficient to determine the role of this variant in disease. Therefore, it has been classified as a Variant of Uncertain Significance.

Ambry Genetics
Classification: Uncertain significance. Last evaluated: 2024-04-09. Review status: criteria provided, single submitter. Criteria: Ambry Variant Classification Scheme 2023. Collection method: clinical testing. Allele origin: germline.

NM_182914.3(SYNE2):c.12991A>T (p.Met4331Leu)

Gene: SYNE2 (spectrin repeat containing nuclear envelope protein 2; plus strand). Cytogenetic location: 14q23.2.
Variant type: single nucleotide variant.
Coding change: c.12991A>T on transcript NM_182914.3 (MANE Select); coding-DNA position 12991, A replaced by T.
Protein change: p.Met4331Leu; replaces methionine 4331 with leucine.
Molecular consequence: missense variant.
Genome position (GRCh38, 1-based): chr14:64,119,577, A>T. VCF-style: chr14-64119577-A-T. GRCh37 (hg19) VCF-style: chr14-64586295-A-T.
Other names: c.12991A>T, p.Met4331Leu (NM_015180.6); short protein forms M4331L.
Identifiers: ClinVar variation 947123 (VCV000947123.9), dbSNP rs144392904, ClinGen allele CA7222299.